The following is an entry in ClinVar:

ClinVar aggregate classification (germline): Uncertain significance. Review status: criteria provided, multiple submitters, no conflicts (2 of 4 stars). 7 submissions from 7 submitters: Uncertain significance (6). 1 of the submissions does not count toward it. Last evaluated 2025-11-26.

Conditions:
ACO2-related disorder. Also called: ACO2-Related Disorders.
Infantile cerebellar-retinal degeneration (ICRD). Identifiers: Orphanet 313850, MedGen C3281192, MONDO:0013802, OMIM 614559.
Optic atrophy 9 (OPA9). Identifiers: MedGen C4225384, MONDO:0014571, OMIM 616289.

Allele frequency attached by ClinVar (database versions not stated): TOPMed 0.00003; gnomAD 0.00005 and 0.00006; ExAC 0.00007; gnomAD exomes 0.00007 and 0.00008.
gnomAD v4.1: 125 of 1,613,380 alleles (0.0077%); highest among the groups gnomAD compares: Non-Finnish European, 0.01%; 1 homozygote.

Submissions (7):

GeneDx
Classification: Uncertain significance. Last evaluated: 2025-11-26. Review status: criteria provided, single submitter. Criteria: GeneDx Variant Classification Process June 2021. Collection method: clinical testing. Allele origin: germline.
Comment: Identified by whole exome sequencing in two siblings who also harbored a second missense variant on the opposite allele (in trans). Both siblings with ataxia, mild developmental delay, behavioral issues (PMID: 32519519); Identified with a second missense variant in two siblings with moderate global developmental delay, seizures, hypotonia, ataxia and cerebellar atrophy (PMID: 30689204); Functional studies demonstrate this variant reduces aconitase activity to approximately 70% of wildtype (PMID: 30689204); Not observed at significant frequency in large population cohorts (gnomAD); In silico analysis supports that this missense variant has a deleterious effect on protein structure/function; This variant is associated with the following publications: (PMID: 35368710, 34354088, 33144682, 32519519, 30689204)

PreventionGenetics, part of Exact Sciences
Classification: Uncertain significance for ACO2-related condition. Last evaluated: 2025-05-05. Review status: criteria provided, single submitter. Criteria: ACMG Guidelines, 2015. Collection method: clinical testing. Allele origin: germline.
Comment: The ACO2 c.2050C>T variant is predicted to result in the amino acid substitution p.Arg684Trp. This variant was reported in the compound heterozygous state in two sets of siblings with milder features of infantile cerebellar-retinal degeneration (Sharkia et al. 2019. PubMed ID: 30689204; Blackburn et al. 2020. PubMed ID: 32519519). Functional studies indicate this variant reduces aconitase activity by 25% and may be a hypomorphic allele (Sharkia et al. 2019. PubMed ID: 30689204). This variant is reported in 0.015% of alleles in individuals of European (non-Finnish) descent in gnomAD. Although we suspect this variant is pathogenic for autosomal recessive ACO2-related disorders, at this time, the clinical significance of this variant is uncertain due to the absence of conclusive functional and genetic evidence.

Blueprint Genetics
Classification: Uncertain significance. Last evaluated: 2024-11-25. Review status: criteria provided, single submitter. Criteria: ACMG Guidelines, 2015. Collection method: clinical testing. Allele origin: germline.

Labcorp Genetics (formerly Invitae), Labcorp
Classification: Uncertain significance. Last evaluated: 2024-05-09. Review status: criteria provided, single submitter. Criteria: Invitae Variant Classification Sherloc (09022015). Collection method: clinical testing. Allele origin: germline.
Comment: This sequence change replaces arginine, which is basic and polar, with tryptophan, which is neutral and slightly polar, at codon 684 of the ACO2 protein (p.Arg684Trp). This variant is present in population databases (rs768950391, gnomAD 0.01%). This missense change has been observed in individual(s) with clinical features of ACO2-related conditions (PMID: 30689204, 32519519). ClinVar contains an entry for this variant (Variation ID: 562210). Advanced modeling of protein sequence and biophysical properties (such as structural, functional, and spatial information, amino acid conservation, physicochemical variation, residue mobility, and thermodynamic stability) has been performed at Invitae for this missense variant, however the output from this modeling did not meet the statistical confidence thresholds required to predict the impact of this variant on ACO2 protein function. Experimental studies have shown that this missense change affects ACO2 function (PMID: 30689204). In summary, the available evidence is currently insufficient to determine the role of this variant in disease. Therefore, it has been classified as a Variant of Uncertain Significance.

Fulgent Genetics
Classification: Uncertain significance for Infantile cerebellar-retinal degeneration; Optic atrophy 9. Last evaluated: 2022-03-01. Review status: criteria provided, single submitter. Criteria: ACMG Guidelines, 2015. Collection method: clinical testing. Allele origin: unknown.

Mayo Clinic Laboratories, Mayo Clinic
Classification: Uncertain significance for Infantile cerebellar-retinal degeneration. Last evaluated: 2018-07-11. Review status: criteria provided, single submitter. Criteria: ACMG Guidelines, 2015. Collection method: clinical testing. Allele origin: maternal.

OMIM
Classification: Pathogenic for INFANTILE CEREBELLAR-RETINAL DEGENERATION. Last evaluated: 2020-09-16. Review status: no assertion criteria provided. Collection method: literature only. Allele origin: germline. Not counted in ClinVar's aggregate classification.

Literature cited by the submitters: PubMed 30689204 (cited by Labcorp Genetics (formerly Invitae), Labcorp and OMIM); PubMed 32519519 (cited by Labcorp Genetics (formerly Invitae), Labcorp).

NM_001098.3(ACO2):c.2050C>T (p.Arg684Trp)

Genes: ACO2 (aconitase 2; plus strand), POLR3H (RNA polymerase III subunit H; minus strand). Cytogenetic location: 22q13.2.
Variant type: single nucleotide variant.
Coding change: c.2050C>T on transcript NM_001098.3 (MANE Select); coding-DNA position 2050, C replaced by T.
Protein change: p.Arg684Trp; replaces arginine 684 with tryptophan.
Molecular consequence: missense variant. On other transcripts: 3 prime UTR variant (5).
Genome position (GRCh38, 1-based): chr22:41,527,384, C>T. VCF-style: chr22-41527384-C-T. GRCh37 (hg19) VCF-style: chr22-41923388-C-T.
Other names: c.*1899G>A (NM_001018050.4, NM_001018052.4, NM_001282884.2 and 2 more transcripts); short protein forms R684W.
Identifiers: ClinVar variation 562210 (VCV000562210.18), dbSNP rs768950391, ClinGen allele CA10257864.